The following is an entry in ClinVar:

NC_000021.8:g.(?_47545204)_(47546372_?)del

Gene: COL6A2 (collagen type VI alpha 2 chain; plus strand). Cytogenetic location: 21q22.3.
Variant type: Deletion.
Identifiers: ClinVar variation 3248175 (VCV003248175.1).

ClinVar aggregate classification (germline): Pathogenic (1 of 4 stars; one submission).

Conditions:
Bethlem myopathy 1A. Also called: MYOPATHY, BENIGN CONGENITAL, WITH CONTRACTURES; Bethlem myopathy 1; Bethlem Muscular Dystrophy. Identifiers: Orphanet 610, MedGen CN029274, MONDO:0024530, OMIM 158810.

Submission:

Labcorp Genetics (formerly Invitae), Labcorp
Classification: Pathogenic for Bethlem myopathy 1A. Last evaluated: 2023-10-18. Review status: criteria provided, single submitter. Criteria: Invitae Variant Classification Sherloc (09022015). Collection method: clinical testing. Allele origin: unknown.
Comment: This variant results in the deletion of exons 25-26 and part of exon 24 (c.1800_2423-40del) of the COL6A2 gene. It is expected to disrupt RNA splicing. Variants that disrupt the donor or acceptor splice site typically lead to a loss of protein function (PMID: 16199547), and loss-of-function variants in COL6A2 are known to be pathogenic (PMID: 19884007, 20976770). This variant has not been reported in the literature in individuals affected with COL6A2-related conditions. This variant disrupts a region of the COL6A2 protein in which other variant(s) (p.Cys777Arg) have been determined to be pathogenic (PMID: 15689448, 19564581, 22075033, 23940025). This suggests that this is a clinically significant region of the protein, and that variants that disrupt it are likely to be disease-causing. For these reasons, this variant has been classified as Pathogenic.

Literature cited by the submitters: PubMed 16199547; PubMed 19884007; PubMed 20976770; PubMed 15689448; PubMed 19564581; PubMed 22075033; PubMed 23940025.